The following is an entry in ClinVar:

ClinVar aggregate classification (germline): Uncertain significance (1 of 4 stars; one submission).

Conditions:
Familial adenomatous polyposis 1 (FAP1). Also called: FAMILIAL ADENOMATOUS POLYPOSIS 1, ATTENUATED; POLYPOSIS, ADENOMATOUS INTESTINAL. Identifiers: MedGen C2713442, MONDO:0021056, OMIM 175100. Disease mechanism: loss of function.

Submission:

Labcorp Genetics (formerly Invitae), Labcorp
Classification: Uncertain significance for Familial adenomatous polyposis 1. Last evaluated: 2024-02-13. Review status: criteria provided, single submitter. Criteria: Invitae Variant Classification Sherloc (09022015). Collection method: clinical testing. Allele origin: germline.
Comment: This sequence change replaces alanine, which is neutral and non-polar, with aspartic acid, which is acidic and polar, at codon 2650 of the APC protein (p.Ala2650Asp). This variant is not present in population databases (gnomAD no frequency). This variant has not been reported in the literature in individuals affected with APC-related conditions. ClinVar contains an entry for this variant (Variation ID: 1506175). Advanced modeling of protein sequence and biophysical properties (such as structural, functional, and spatial information, amino acid conservation, physicochemical variation, residue mobility, and thermodynamic stability) performed at Invitae indicates that this missense variant is not expected to disrupt APC protein function with a negative predictive value of 95%. In summary, the available evidence is currently insufficient to determine the role of this variant in disease. Therefore, it has been classified as a Variant of Uncertain Significance.

NM_000038.6(APC):c.7949C>A (p.Ala2650Asp)

Gene: APC (APC regulator of Wnt signaling pathway; plus strand). Cytogenetic location: 5q22.2.
Variant type: single nucleotide variant.
Coding change: c.7949C>A on transcript NM_000038.6 (MANE Select); coding-DNA position 7949, C replaced by A.
Protein change: p.Ala2650Asp; replaces alanine 2650 with aspartic acid.
Molecular consequence: missense variant.
Genome position (GRCh38, 1-based): chr5:112,843,543, C>A. VCF-style: chr5-112843543-C-A. GRCh37 (hg19) VCF-style: chr5-112179240-C-A.
Other names: c.7949C>A, p.Ala2650Asp (NM_001127510.3, NM_001354895.2); c.7895C>A, p.Ala2632Asp (NM_001127511.3); c.8003C>A, p.Ala2668Asp (NM_001354896.2); c.7979C>A, p.Ala2660Asp (NM_001354897.2); c.7874C>A, p.Ala2625Asp (NM_001354898.2); c.7865C>A, p.Ala2622Asp (NM_001354899.2); c.7826C>A, p.Ala2609Asp (NM_001354900.2); c.7772C>A, p.Ala2591Asp (NM_001354901.2); and 5 more; short protein forms A2367D, A2490D, A2524D, A2559D, A2591D, A2625D, A2549D, A2632D.
Identifiers: ClinVar variation 1506175 (VCV001506175.8), dbSNP rs2149996817, ClinGen allele CA16038593.